The following is an entry in ClinVar:

NM_153676.4(USH1C):c.2491-2A>G

Gene: USH1C (USH1 protein network component harmonin; minus strand). Cytogenetic location: 11p15.1.
Variant type: single nucleotide variant.
Coding change: c.2491-2A>G on transcript NM_153676.4 (MANE Select); the canonical splice acceptor site of the intron before coding-DNA position 2491, A replaced by G.
Molecular consequence: splice acceptor variant.
Genome position (GRCh38, 1-based): chr11:17,496,815, T>C on the plus strand (A>G on the coding strand, the complement: USH1C is on the minus strand). VCF-style: chr11-17496815-T-C. GRCh37 (hg19) VCF-style: chr11-17518362-T-C.
Other names: c.1534-2A>G (NM_001297764.2); c.1591-2A>G (NM_005709.4).
Identifiers: ClinVar variation 3653113 (VCV003653113.2).
Genomic context (GRCh38, chr11:17,496,815, plus strand): 5'-TACAGCTCATCGTCATACTCCTTTGGGGGGCAGACGGCAACCACAAGGTCGATCCAGTCC[T>C]GTGGGGAGAAGCCGTGTGACTCTGGGGCACACTCAGTTGGATGGTGCATCTGCCCCGGCA-3'

ClinVar aggregate classification (germline): Likely pathogenic (1 of 4 stars; one submission).

Submission:

Labcorp Genetics (formerly Invitae), Labcorp
Classification: Likely pathogenic. Last evaluated: 2024-08-27. Review status: criteria provided, single submitter. Criteria: Invitae Variant Classification Sherloc (09022015). Collection method: clinical testing. Allele origin: germline.
Comment: This sequence change affects an acceptor splice site in intron 19 of the USH1C gene. It is expected to disrupt RNA splicing. Variants that disrupt the donor or acceptor splice site typically lead to a loss of protein function (PMID: 16199547), and loss-of-function variants in USH1C are known to be pathogenic (PMID: 10973247, 17407589, 20301442, 21203349). This variant is not present in population databases (gnomAD no frequency). This variant has not been reported in the literature in individuals affected with USH1C-related conditions. Algorithms developed to predict the effect of sequence changes on RNA splicing suggest that this variant may disrupt the consensus splice site. In summary, the currently available evidence indicates that the variant is pathogenic, but additional data are needed to prove that conclusively. Therefore, this variant has been classified as Likely Pathogenic.

Literature cited by the submitters: PubMed 16199547; PubMed 10973247; PubMed 17407589; PubMed 20301442; PubMed 21203349.